The following is an entry in ClinVar:

ClinVar aggregate classification (germline): Uncertain significance (1 of 4 stars; one submission).

gnomAD v4.1: 1 of 1,614,192 alleles (0.000062%); highest among the groups gnomAD compares: African/African-American, 0.0013%; no homozygotes.

Submission:

Labcorp Genetics (formerly Invitae), Labcorp
Classification: Uncertain significance. Last evaluated: 2025-10-01. Review status: criteria provided, single submitter. Criteria: Invitae Variant Classification Sherloc (09022015). Collection method: clinical testing. Allele origin: germline.
Comment: This sequence change replaces glutamine, which is neutral and polar, with histidine, which is basic and polar, at codon 224 of the MECOM protein (p.Gln224His). This variant is present in population databases (no rsID available, gnomAD 0.007%). This variant has not been reported in the literature in individuals affected with MECOM-related conditions. ClinVar contains an entry for this variant (Variation ID: 3661863). An algorithm developed to predict the effect of missense changes on protein structure and function (PolyPhen-2) suggests that this variant is likely to be disruptive. In summary, the available evidence is currently insufficient to determine the role of this variant in disease. Therefore, it has been classified as a Variant of Uncertain Significance.

NM_004991.4(MECOM):c.1236A>T (p.Gln412His)

Gene: MECOM (MDS1 and EVI1 complex locus; minus strand). Cytogenetic location: 3q26.2.
Variant type: single nucleotide variant.
Coding change: c.1236A>T on transcript NM_004991.4 (MANE Select); coding-DNA position 1236, A replaced by T.
Protein change: p.Gln412His; replaces glutamine 412 with histidine.
Molecular consequence: missense variant. On other transcripts: intron variant (2).
Genome position (GRCh38, 1-based): chr3:169,116,636, T>A on the plus strand (A>T on the coding strand, the complement: MECOM is on the minus strand). VCF-style: chr3-169116636-T-A. GRCh37 (hg19) VCF-style: chr3-168834424-T-A.
Other names: c.672A>T, p.Gln224His (NM_001366471.2, NM_001366472.2, NM_005241.4 and 4 more transcripts); c.1133-869A>T (NM_001366473.2); c.569-869A>T (NM_001366474.2); c.1236A>T, p.Gln412His (NM_001366466.2); c.675A>T, p.Gln225His (NM_001366467.2, NM_001366468.2, NM_001366470.2 and 1 more transcripts); c.867A>T, p.Gln289His (NM_001105077.4); short protein forms Q289H, Q224H, Q412H, Q225H.
Identifiers: ClinVar variation 3661863 (VCV003661863.2).